The following is an entry in ClinVar:

ClinVar aggregate classification (germline): Pathogenic (1 of 4 stars; one submission).

Conditions:
Primary ciliary dyskinesia. Also called: Ciliary dyskinesia. Identifiers: Orphanet 244, MedGen C0008780, MONDO:0016575, HP:0012265.

Submission:

Labcorp Genetics (formerly Invitae), Labcorp
Classification: Pathogenic for Primary ciliary dyskinesia. Last evaluated: 2022-02-10. Review status: criteria provided, single submitter. Criteria: Invitae Variant Classification Sherloc (09022015). Collection method: clinical testing. Allele origin: germline.
Comment: For these reasons, this variant has been classified as Pathogenic. This variant has not been reported in the literature in individuals affected with RPGR-related conditions. This variant is not present in population databases (gnomAD no frequency). This sequence change creates a premature translational stop signal (p.Gln527*) in the RPGR gene. It is expected to result in an absent or disrupted protein product. Loss-of-function variants in RPGR are known to be pathogenic (PMID: 16055928, 16969763).

Literature cited by the submitters: PubMed 16055928; PubMed 16969763.

NM_001034853.2(RPGR):c.1579C>T (p.Gln527Ter)

Gene: RPGR (retinitis pigmentosa GTPase regulator; minus strand). Cytogenetic location: Xp11.4.
Variant type: single nucleotide variant.
Coding change: c.1579C>T on transcript NM_001034853.2 (MANE Select); coding-DNA position 1579, C replaced by T.
Protein change: p.Gln527Ter; replaces glutamine 527 with a stop codon.
Molecular consequence: nonsense. On other transcripts: non-coding transcript variant (1), intron variant (5).
Genome position (GRCh38, 1-based): chrX:38,288,035, G>A on the plus strand (C>T on the coding strand, the complement: RPGR is on the minus strand). VCF-style: chrX-38288035-G-A. GRCh37 (hg19) VCF-style: chrX-38147288-G-A.
Other names: c.1579C>T, p.Gln527Ter (NM_000328.3); c.1576C>T, p.Gln526Ter (NM_001367245.1); c.1393C>T, p.Gln465Ter (NM_001367246.1); c.1569+2924C>T (NM_001367249.1, NM_001367250.1); c.1386+2924C>T (NM_001367251.1); c.1572+2924C>T (NM_001367247.1); c.1602+2924C>T (NM_001367248.1); short protein forms Q526*, Q527*, Q465*.
Identifiers: ClinVar variation 1945357 (VCV001945357.5), dbSNP rs1601926772, ClinGen allele CA412737524.